The following is an entry in ClinVar:

NM_015726.4(DCAF8):c.1561-12T>C

Gene: DCAF8 (DDB1 and CUL4 associated factor 8; minus strand). Cytogenetic location: 1q23.2.
Variant type: single nucleotide variant.
Coding change: c.1561-12T>C on transcript NM_015726.4 (MANE Select); 12 bases into the intron before coding-DNA position 1561, T replaced by C.
Molecular consequence: intron variant.
Genome position (GRCh38, 1-based): chr1:160,218,452, A>G on the plus strand (T>C on the coding strand, the complement: DCAF8 is on the minus strand). VCF-style: chr1-160218452-A-G. GRCh37 (hg19) VCF-style: chr1-160188242-A-G.
Identifiers: ClinVar variation 2682462 (VCV002682462.1), dbSNP rs1278792129, ClinGen allele CA890099717.

ClinVar aggregate classification (germline): Likely benign (1 of 4 stars; one submission).

Allele frequency attached by ClinVar (database versions not stated): TOPMed below 0.00001; gnomAD 0.00001.
gnomAD v4.1: 1 of 1,608,290 alleles (0.000062%); highest among the groups gnomAD compares: Non-Finnish European, 0.000085%; no homozygotes.

Submission:

Women's Health and Genetics/Laboratory Corporation of America, LabCorp
Classification: Likely benign. Last evaluated: 2023-11-10. Review status: criteria provided, single submitter. Criteria: LabCorp Variant Classification Summary - May 2015. Collection method: clinical testing. Allele origin: germline.
Comment: Variant summary: WDR42A c.1561-12T>C alters a non-conserved nucleotide located at a position not widely known to affect splicing. Consensus agreement among computation tools predict no significant impact on normal splicing. However, these predictions have yet to be confirmed by functional studies. The variant was absent in 251382 control chromosomes. The available data on variant occurrences in the general population are insufficient to allow any conclusion about variant significance. To our knowledge, no occurrence of c.1561-12T>C in individuals affected with Giant Axonal Neuropathy 2 and no experimental evidence demonstrating its impact on protein function have been reported. No submitters have cited clinical-significance assessments for this variant to ClinVar after 2014. Based on the evidence outlined above, the variant was classified as likely benign.